The following is an entry in ClinVar:

NM_022455.5(NSD1):c.1236+2T>C

Gene: NSD1 (nuclear receptor binding SET domain protein 1; plus strand). Cytogenetic location: 5q35.3.
Variant type: single nucleotide variant.
Coding change: c.1236+2T>C on transcript NM_022455.5 (MANE Select); the canonical splice donor site of the intron after coding-DNA position 1236, T replaced by C.
Molecular consequence: splice donor variant.
Genome position (GRCh38, 1-based): chr5:177,204,294, T>C. VCF-style: chr5-177204294-T-C. GRCh37 (hg19) VCF-style: chr5-176631295-T-C.
Other names: NC_000005.9:g.176631295T>C; c.1236+2T>C (NM_001409301.1, NM_001409302.1, NM_001409303.1); c.816+2T>C (NM_001409304.1); c.483+2T>C (NM_001409305.1); c.363+2T>C (NM_001409306.1, NM_001409308.1, NM_001409307.1 and 3 more transcripts).
Identifiers: ClinVar variation 3376769 (VCV003376769.2).

ClinVar aggregate classification (germline): Pathogenic (1 of 4 stars; one submission).

Conditions:
Sotos syndrome (SOTOS). Also called: Sotos' syndrome; Distinctive facial appearance, overgrowth in childhood, and learning disabilities or delayed development; CEREBRAL GIGANTISM; CHROMOSOME 5q35 DELETION SYNDROME; SOTOS SYNDROME 1. Identifiers: Orphanet 821, MedGen C0175695, MONDO:0019349, OMIM 117550.

Submissions (2):

Victorian Clinical Genetics Services, Murdoch Childrens Research Institute
Classification: Pathogenic for Sotos syndrome. Last evaluated: 2023-07-17. Review status: criteria provided, single submitter. Criteria: ACMG Guidelines, 2015. Collection method: clinical testing. Allele origin: germline. Inheritance: Autosomal dominant inheritance. Affected: yes.
Comment: Based on the classification scheme VCGS_Germline_v1.3.4, this variant is classified as Pathogenic. Following criteria are met: 0102 - Loss of function is a known mechanism of disease in this gene and is associated with Sotos syndrome (MIM#117550). (I) 0107 - This gene is associated with autosomal dominant disease. (I) 0211 - Canonical splice site variant without proven consequence on splicing (no functional evidence available). (SP) 0251 - This variant is heterozygous. (I) 0301 - Variant is absent from gnomAD (both v2 and v3). (SP) 0505 - Abnormal splicing is predicted by in silico tools and affected nucleotide is highly conserved. (SP) 0704 - Another splice site variant comparable to the one identified in this case has limited previous evidence for pathogenicity. c.1236+2T>G has been observed as de novo in monozygotic twins with Sotos syndrome (PMID: 36833222, LOVD). (SP) 0807 - This variant has no previous evidence of pathogenicity. (I) 0905 - No published segregation evidence has been identified for this variant. (I) 1007 - No published functional evidence has been identified for this variant. (SP) Legend: (SP) - Supporting pathogenic, (I) - Information, (SB) - Supporting benign

Dr. Peter K. Rogan Lab, Western University
No classification provided (evidence only). Condition: Clear cell carcinoma of kidney. Review status: no classification provided. Collection method: in vitro. Allele origin: not applicable. Functional consequence: retained intron. Not counted in ClinVar's aggregate classification.

Literature cited by the submitters: PubMed 36833222 (cited by Victorian Clinical Genetics Services, Murdoch Childrens Research Institute).